The following is an entry in ClinVar:

NM_025114.4(CEP290):c.3104-6A>G

Gene: CEP290 (centrosomal protein 290; minus strand). Cytogenetic location: 12q21.32.
Variant type: single nucleotide variant.
Coding change: c.3104-6A>G on transcript NM_025114.4 (MANE Select); 6 bases into the intron before coding-DNA position 3104, A replaced by G.
Molecular consequence: intron variant.
Genome position (GRCh38, 1-based): chr12:88,093,981, T>C on the plus strand (A>G on the coding strand, the complement: CEP290 is on the minus strand). VCF-style: chr12-88093981-T-C. GRCh37 (hg19) VCF-style: chr12-88487758-T-C.
Identifiers: ClinVar variation 3026146 (VCV003026146.22), dbSNP rs2037244123, ClinGen allele CA2575243162.

ClinVar aggregate classification (germline): Uncertain significance (1 of 4 stars; one submission).

Allele frequency attached by ClinVar (database versions not stated): gnomAD exomes below 0.00001.
gnomAD v4.1: 3 of 1,584,066 alleles (0.00019%); highest among the groups gnomAD compares: Non-Finnish European, 0.00026%; no homozygotes.

Submission:

CeGaT Center for Human Genetics Tuebingen
Classification: Uncertain significance. Last evaluated: 2024-02-01. Review status: criteria provided, single submitter. Criteria: CeGaT Center For Human Genetics Tuebingen Variant Classification Criteria Version 2. Collection method: clinical testing. Allele origin: germline. Affected: yes. Observed: 1 variant allele.
Comment: CEP290: PM2, BP4